The following is an entry in ClinVar:

ClinVar aggregate classification (germline): Uncertain significance (1 of 4 stars; one submission).

Submission:

GeneDx
Classification: Uncertain significance. Last evaluated: 2024-03-01. Review status: criteria provided, single submitter. Criteria: GeneDx Variant Classification Process June 2021. Collection method: clinical testing. Allele origin: germline. Affected: yes.
Comment: Not observed at significant frequency in large population cohorts (gnomAD); In silico analysis supports that this missense variant does not alter protein structure/function; Has not been previously published as pathogenic or benign to our knowledge

NM_000612.6(IGF2):c.16G>C (p.Gly6Arg)

Genes: IGF2 (insulin like growth factor 2; minus strand), INS-IGF2 (INS-IGF2 readthrough; minus strand). Cytogenetic location: 11p15.5.
Variant type: single nucleotide variant.
Coding change: c.16G>C on transcript NM_000612.6 (MANE Select); coding-DNA position 16, G replaced by C.
Protein change: p.Gly6Arg; replaces glycine 6 with arginine.
Molecular consequence: missense variant. On other transcripts: non-coding transcript variant (1).
Genome position (GRCh38, 1-based): chr11:2,135,508, C>G on the plus strand (G>C on the coding strand, the complement: IGF2 is on the minus strand). VCF-style: chr11-2135508-C-G. GRCh37 (hg19) VCF-style: chr11-2156738-C-G.
Other names: c.16G>C, p.Gly6Arg (NM_001007139.6, NM_001291861.3, NM_001291862.3); c.184G>C, p.Gly62Arg (NM_001127598.3); short protein forms G62R, G6R.
Identifiers: ClinVar variation 3373607 (VCV003373607.1).